The following is an entry in ClinVar:

NM_144687.4(NLRP12):c.1882C>T (p.Gln628Ter)

Gene: NLRP12 (NLR family pyrin domain containing 12; minus strand). Cytogenetic location: 19q13.42.
Variant type: single nucleotide variant.
Coding change: c.1882C>T on transcript NM_144687.4 (MANE Select); coding-DNA position 1882, C replaced by T.
Protein change: p.Gln628Ter; replaces glutamine 628 with a stop codon.
Molecular consequence: nonsense.
Genome position (GRCh38, 1-based): chr19:53,809,777, G>A on the plus strand (C>T on the coding strand, the complement: NLRP12 is on the minus strand). VCF-style: chr19-53809777-G-A. GRCh37 (hg19) VCF-style: chr19-54313031-G-A.
Other names: c.1882C>T, p.Gln628Ter (NM_001277126.2, NM_001277129.1); short protein forms Q628*.
Identifiers: ClinVar variation 4720700 (VCV004720700.1).
Genomic context (GRCh38, chr19:53,809,777, plus strand): 5'-TGTGCTCCATCTTGGAGGCAATGTTGCTGACCACGATCACCTGGAAGTGGCTCAGGGCCT[G>A]CTGGATAAACTCCTCCTCCTGGATCTCGTACAAGCAGCTGAAGAACTCCAAGGAGCCCTG-3'

ClinVar aggregate classification (germline): Uncertain significance (1 of 4 stars; one submission).

Conditions:
Familial cold autoinflammatory syndrome 2 (FCAS2). Identifiers: Orphanet 247868, MedGen C2673198, MONDO:0012724, OMIM 611762.

gnomAD v4.1: 1 of 1,614,042 alleles (0.000062%); no homozygotes.

Submission:

Labcorp Genetics (formerly Invitae), Labcorp
Classification: Uncertain significance for Familial cold autoinflammatory syndrome 2. Last evaluated: 2025-06-03. Review status: criteria provided, single submitter. Criteria: Invitae Variant Classification Sherloc (09022015). Collection method: clinical testing. Allele origin: germline.
Comment: This sequence change creates a premature translational stop signal (p.Gln628*) in the NLRP12 gene. It is expected to result in an absent or disrupted protein product. However, the current clinical and genetic evidence is not sufficient to establish whether loss-of-function variants in NLRP12 cause disease. This variant is not present in population databases (gnomAD no frequency). This variant has not been reported in the literature in individuals affected with NLRP12-related conditions. In summary, the available evidence is currently insufficient to determine the role of this variant in disease. Therefore, it has been classified as a Variant of Uncertain Significance.